The following is an entry in ClinVar:

ClinVar aggregate classification (germline): Conflicting classifications of pathogenicity. Review status: criteria provided, conflicting classifications (1 of 4 stars). 5 submissions from 5 submitters: Uncertain significance (3); Likely benign (2). Last evaluated 2026-01-16.

Conditions:
Inborn genetic diseases. Identifiers: MedGen C0950123, MeSH D030342.
Atrial conduction disease. Identifiers: Orphanet 436242, MedGen CN221670, MONDO:0014500.

Allele frequency attached by ClinVar (database versions not stated): ESP Exome Variant Server 0.00008; 1000 Genomes Project 30x 0.00016; 1000 Genomes Project 0.00020.
gnomAD v4.1: 41 of 1,612,732 alleles (0.0025%); highest among the groups gnomAD compares: Non-Finnish European, 0.0028%; no homozygotes.

Submissions (5):

Labcorp Genetics (formerly Invitae), Labcorp
Classification: Uncertain significance. Last evaluated: 2026-01-16. Review status: criteria provided, single submitter. Criteria: Invitae Variant Classification Sherloc (09022015). Collection method: clinical testing. Allele origin: germline.
Comment: This sequence change replaces arginine, which is basic and polar, with proline, which is neutral and non-polar, at codon 766 of the TNNI3K protein (p.Arg766Pro). This variant is present in population databases (rs201340993, gnomAD 0.007%). This variant has not been reported in the literature in individuals affected with TNNI3K-related conditions. ClinVar contains an entry for this variant (Variation ID: 1373602). An algorithm developed to predict the effect of missense changes on protein structure and function (PolyPhen-2) suggests that this variant is likely to be disruptive. In summary, the available evidence is currently insufficient to determine the role of this variant in disease. Therefore, it has been classified as a Variant of Uncertain Significance.

Ambry Genetics
Classification: Uncertain significance for Inborn genetic diseases. Last evaluated: 2025-11-11. Review status: criteria provided, single submitter. Criteria: Ambry Variant Classification Scheme 2023. Collection method: clinical testing. Allele origin: germline.

CeGaT Center for Human Genetics Tuebingen
Classification: Likely benign. Last evaluated: 2024-11-01. Review status: criteria provided, single submitter. Criteria: CeGaT Center For Human Genetics Tuebingen Variant Classification Criteria Version 2. Collection method: clinical testing. Allele origin: germline. Affected: yes. Observed: 1 variant allele.
Comment: TNNI3K: BP4, BS1

Blueprint Genetics
Classification: Likely benign. Last evaluated: 2023-10-20. Review status: criteria provided, single submitter. Criteria: ACMG Guidelines, 2015. Collection method: clinical testing. Allele origin: germline.

Genome-Nilou Lab
Classification: Uncertain significance for Cardiac conduction disease with or without dilated cardiomyopathy 1. Last evaluated: 2023-04-11. Review status: criteria provided, single submitter. Criteria: ACMG Guidelines, 2015. Collection method: clinical testing. Allele origin: germline. Affected: no.

NM_015978.3(TNNI3K):c.2297G>C (p.Arg766Pro)

Genes: FPGT-TNNI3K (FPGT-TNNI3K readthrough; plus strand), LRRC53 (leucine rich repeat containing 53; minus strand), TNNI3K (TNNI3 interacting kinase; plus strand). Cytogenetic location: 1p31.1.
Variant type: single nucleotide variant.
Coding change: c.2297G>C on transcript NM_015978.3 (MANE Select); coding-DNA position 2297, G replaced by C.
Protein change: p.Arg766Pro; replaces arginine 766 with proline.
Molecular consequence: missense variant. On other transcripts: intron variant (2).
Genome position (GRCh38, 1-based): chr1:74,492,212, G>C. VCF-style: chr1-74492212-G-C. GRCh37 (hg19) VCF-style: chr1-74957896-G-C.
Other names: c.2600G>C, p.Arg867Pro (NM_001112808.3); c.-8-11244C>G (NM_001364666.2); c.-26-8837C>G (NM_001382280.1); short protein forms R867P, R766P.
Identifiers: ClinVar variation 1373602 (VCV001373602.22), dbSNP rs201340993, ClinGen allele CA909844.